The following is an entry in ClinVar:

NM_001199397.3(NEK1):c.1424C>G (p.Pro475Arg)

Gene: NEK1 (NIMA related kinase 1; minus strand). Cytogenetic location: 4q33.
Variant type: single nucleotide variant.
Coding change: c.1424C>G on transcript NM_001199397.3 (MANE Select); coding-DNA position 1424, C replaced by G.
Protein change: p.Pro475Arg; replaces proline 475 with arginine.
Molecular consequence: missense variant. On other transcripts: non-coding transcript variant (1).
Genome position (GRCh38, 1-based): chr4:169,555,938, G>C on the plus strand (C>G on the coding strand, the complement: NEK1 is on the minus strand). VCF-style: chr4-169555938-G-C. GRCh37 (hg19) VCF-style: chr4-170477089-G-C.
Other names: c.1424C>G, p.Pro475Arg (NM_001199398.3, NM_001199400.3, NM_001374418.1 and 2 more transcripts); c.1349C>G, p.Pro450Arg (NM_001199399.3); c.1373C>G, p.Pro458Arg (NM_001374420.1); c.1298C>G, p.Pro433Arg (NM_001374421.1); short protein forms P433R, P450R, P475R, P458R.
Identifiers: ClinVar variation 779053 (VCV000779053.20), dbSNP rs369081861, ClinGen allele CA3137750.

ClinVar aggregate classification (germline): Benign/Likely benign. Review status: criteria provided, multiple submitters, no conflicts (2 of 4 stars). 4 submissions from 4 submitters: Benign (3); Likely benign (1). Last evaluated 2026-04-01.

Conditions:
Connective tissue disorder. Also called: Connective tissue disease. Identifiers: MedGen C0009782, MONDO:0003900.
Short-rib thoracic dysplasia 6 with or without polydactyly (SRTD6). Also called: POLYDACTYLY WITH NEONATAL CHONDRODYSTROPHY, TYPE II; SHORT RIB-POLYDACTYLY SYNDROME, TYPE IIA; SHORT-RIB THORACIC DYSPLASIA 6 WITH POLYDACTYLY; SHORT-RIB THORACIC DYSPLASIA 6 WITHOUT POLYDACTYLY; Majewski Syndrome. Identifiers: MedGen C0024507, MONDO:0009894, OMIM 263520.

Allele frequency attached by ClinVar (database versions not stated): 1000 Genomes Project 30x 0.00297; gnomAD 0.00003 and 0.00040; TOPMed 0.00011; gnomAD exomes 0.00083 and 0.00165; ExAC 0.00182; 1000 Genomes Project 0.00260.
gnomAD v4.1: 1,277 of 1,613,388 alleles (0.079%); highest among the groups gnomAD compares: South Asian, 1.3%; 24 homozygotes.

Submissions (4):

CeGaT Center for Human Genetics Tuebingen
Classification: Benign. Last evaluated: 2026-04-01. Review status: criteria provided, single submitter. Criteria: CeGaT Center For Human Genetics Tuebingen Variant Classification Criteria Version 2. Collection method: clinical testing. Allele origin: germline. Affected: yes. Observed: 2 variant alleles.
Comment: NEK1: BP4, BS1, BS2

Labcorp Genetics (formerly Invitae), Labcorp
Classification: Benign for Short-rib thoracic dysplasia 6 with or without polydactyly. Last evaluated: 2025-10-12. Review status: criteria provided, single submitter. Criteria: Invitae Variant Classification Sherloc (09022015). Collection method: clinical testing. Allele origin: germline.

Genome Diagnostics Laboratory, The Hospital for Sick Children
Classification: Benign for Connective tissue disorder. Last evaluated: 2022-06-07. Review status: criteria provided, single submitter. Criteria: ACMG Guidelines, 2015. Collection method: clinical testing. Allele origin: germline.

GeneDx
Classification: Likely benign. Last evaluated: 2018-09-24. Review status: criteria provided, single submitter. Criteria: GeneDx Variant Classification Process June 2021. Collection method: clinical testing. Allele origin: germline. Affected: yes.